The following is an entry in ClinVar:

Conditions:
Arteriohepatic dysplasia. Also called: Alagille Syndrome. Identifiers: Orphanet 52, MedGen C0085280, MeSH D016738, MONDO:0007318.

gnomAD v4.1: 1 of 1,614,020 alleles (0.000062%); highest among the groups gnomAD compares: East Asian, 0.0022%; no homozygotes.

Submission:

Gilbert/Spinner Lab, Children's Hospital of Philadelphia
No classification provided (evidence only). Condition: Alagille syndrome. Review status: no classification provided. Collection method: research. Allele origin: not applicable. Functional consequence: functionally_abnormal.
ClinVar note: "not provided" was previously submitted as the classification for the variant. However, the classification appeared to be based only on an observation of functional data so it was converted to no classification on 2025-07-30.

NM_000214.3(JAG1):c.710G>T (p.Gly237Val)

Gene: JAG1 (jagged canonical Notch ligand 1; minus strand). Cytogenetic location: 20p12.2.
Variant type: single nucleotide variant.
Coding change: c.710G>T on transcript NM_000214.3 (MANE Select); coding-DNA position 710, G replaced by T.
Protein change: p.Gly237Val; replaces glycine 237 with valine.
Molecular consequence: missense variant.
Genome position (GRCh38, 1-based): chr20:10,656,443, C>A on the plus strand (G>T on the coding strand, the complement: JAG1 is on the minus strand). VCF-style: chr20-10656443-C-A. GRCh37 (hg19) VCF-style: chr20-10637091-C-A.
Other names: short protein forms G237V.
Identifiers: ClinVar variation 3573356 (VCV003573356.2).